The following is an entry in ClinVar:

NM_005334.3(HCFC1):c.5566C>T (p.Leu1856=)

Gene: HCFC1 (host cell factor C1; minus strand). Cytogenetic location: Xq28.
Variant type: single nucleotide variant.
Coding change: c.5566C>T on transcript NM_005334.3 (MANE Select); coding-DNA position 5566, C replaced by T.
Protein change: p.Leu1856=; no amino-acid change (leucine 1856 retained).
Molecular consequence: synonymous variant.
Genome position (GRCh38, 1-based): chrX:153,950,950, G>A on the plus strand (C>T on the coding strand, the complement: HCFC1 is on the minus strand). VCF-style: chrX-153950950-G-A. GRCh37 (hg19) VCF-style: chrX-153216401-G-A.
Other names: c.5701C>T, p.Leu1901= (NM_001410705.1); c.5707C>T, p.Leu1903= (NM_001440843.1); c.5698C>T, p.Leu1900= (NM_001440844.1, NM_001440845.1); c.5695C>T, p.Leu1899= (NM_001440846.1); c.5578C>T, p.Leu1860= (NM_001440847.1); c.5575C>T, p.Leu1859= (NM_001440848.1); c.5569C>T, p.Leu1857= (NM_001440849.1); c.5500C>T, p.Leu1834= (NM_001440850.1); and 1 more.
Identifiers: ClinVar variation 4875395 (VCV004875395.2).
Genomic context (GRCh38, chrX:153,950,950, plus strand): 5'-GCCCCCGGCCACAGGCATTGATTCCGGCAACACGAAACTTATAGGCTGTGCCTGGCTGCA[G>A]CTCCTGCTTCTTCAGCTGGTTATAGTCAGGGACGGTGCCCAAATCATCCTAGGAAAAGAG-3'
Protein context (NP_005325.2, residues 1846-1866): PDYNQLKKQE[Leu1856=]QPGTAYKFRV

ClinVar aggregate classification (germline): Uncertain significance (1 of 4 stars; one submission).

Submission:

CeGaT Center for Human Genetics Tuebingen
Classification: Uncertain significance. Last evaluated: 2026-06-01. Review status: criteria provided, single submitter. Criteria: CeGaT Center For Human Genetics Tuebingen Variant Classification Criteria Version 2. Collection method: clinical testing. Allele origin: germline. Affected: yes. Observed: 1 variant allele.
Comment: HCFC1: PM2:Supporting, BP4